The following is an entry in ClinVar:

NM_001330260.2(SCN8A):c.4507C>T (p.Pro1503Ser)

Gene: SCN8A (sodium voltage-gated channel alpha subunit 8; plus strand). Cytogenetic location: 12q13.13.
Variant type: single nucleotide variant.
Coding change: c.4507C>T on transcript NM_001330260.2 (MANE Select); coding-DNA position 4507, C replaced by T.
Protein change: p.Pro1503Ser; replaces proline 1503 with serine.
Molecular consequence: missense variant.
Genome position (GRCh38, 1-based): chr12:51,790,485, C>T. VCF-style: chr12-51790485-C-T. GRCh37 (hg19) VCF-style: chr12-52184269-C-T.
Other names: c.4384C>T, p.Pro1462Ser (NM_001177984.3, NM_001369788.1); c.4507C>T, p.Pro1503Ser (NM_014191.4); short protein forms P1462S, P1503S.
Identifiers: ClinVar variation 4293368 (VCV004293368.1).

ClinVar aggregate classification (germline): Uncertain significance (1 of 4 stars; one submission).

Conditions:
SCN8A-related disorder.

Submission:

3billion
Classification: Uncertain significance for SCN8A-related disorder. Last evaluated: 2025-02-25. Review status: criteria provided, single submitter. Criteria: ACMG Guidelines, 2015. Collection method: clinical testing. Allele origin: germline. Affected: yes.
Comment: The variant is not observed in the gnomAD v4.1.0 dataset. Predicted Consequence/Location: Missense variant In silico tool predictions suggest damaging effect of the variant on gene or gene product [REVEL: 0.75 (>=0.6, sensitivity 0.68 and specificity 0.92); 3Cnet: 0.99 (>=0.6, sensitivity 0.72 and precision 0.9)]. Therefore, this variant is classified as VUS according to the recommendation of ACMG/AMP guideline.